The following is an entry in ClinVar:

NM_001369.3(DNAH5):c.58-13T>C

Gene: DNAH5 (dynein axonemal heavy chain 5; minus strand). Cytogenetic location: 5p15.2.
Variant type: single nucleotide variant.
Coding change: c.58-13T>C on transcript NM_001369.3 (MANE Select); 13 bases into the intron before coding-DNA position 58, T replaced by C.
Molecular consequence: intron variant.
Genome position (GRCh38, 1-based): chr5:13,931,257, A>G on the plus strand (T>C on the coding strand, the complement: DNAH5 is on the minus strand). VCF-style: chr5-13931257-A-G. GRCh37 (hg19) VCF-style: chr5-13931366-A-G.
Identifiers: ClinVar variation 178759 (VCV000178759.23), dbSNP rs115758625, ClinGen allele CA182953.
Genomic context (GRCh38, chr5:13,931,257, plus strand): 5'-CGCATCCAAAAGAGCCCGCTTGGCTTCCTTCTCTCCCTTCAGTCTTTGCTAAAAGAAAAG[A>G]ATAAAAATGTTACATGGAAACTGCTGTTCTCAAGTGGATTCATTTTGTAATAATTTCATA-3'

ClinVar aggregate classification (germline): Benign. Review status: criteria provided, multiple submitters, no conflicts (2 of 4 stars). 8 submissions from 8 submitters: Benign (7). 1 of the submissions does not count toward it. Last evaluated 2026-02-01.

Conditions:
Primary ciliary dyskinesia. Also called: Ciliary dyskinesia. Identifiers: Orphanet 244, MedGen C0008780, MONDO:0016575, HP:0012265.
Primary ciliary dyskinesia 3. Identifiers: Orphanet 244, MedGen C1837618, MONDO:0012085, OMIM 608644.

Allele frequency attached by ClinVar (database versions not stated): gnomAD exomes 0.00209 and 0.00570; ExAC 0.00702; gnomAD 0.02224 and 0.02407; 1000 Genomes Project 30x 0.02436; 1000 Genomes Project 0.02476; TOPMed 0.02524; ESP Exome Variant Server 0.02537.
gnomAD v4.1: 6,577 of 1,614,024 alleles (0.41%); highest among the groups gnomAD compares: African/African-American, 7.7%; 239 homozygotes.

Submissions (8):

Labcorp Genetics (formerly Invitae), Labcorp
Classification: Benign for Primary ciliary dyskinesia. Last evaluated: 2026-02-01. Review status: criteria provided, single submitter. Criteria: Invitae Variant Classification Sherloc (09022015). Collection method: clinical testing. Allele origin: germline.

ARUP Laboratories, Molecular Genetics and Genomics, ARUP Laboratories
Classification: Benign for Primary ciliary dyskinesia 3. Last evaluated: 2023-09-15. Review status: criteria provided, single submitter. Criteria: ARUP Molecular Germline Variant Investigation Process 2024. Collection method: clinical testing. Allele origin: germline.

GeneDx
Classification: Benign. Last evaluated: 2020-02-20. Review status: criteria provided, single submitter. Criteria: GeneDx Variant Classification Process June 2021. Collection method: clinical testing. Allele origin: germline. Affected: yes.

Illumina Laboratory Services, Illumina
Classification: Benign for Primary ciliary dyskinesia 3. Last evaluated: 2018-01-13. Review status: criteria provided, single submitter. Criteria: ICSL Variant Classification Criteria 13 December 2019. Collection method: clinical testing. Allele origin: germline.
Comment: This variant was observed in the ICSL laboratory as part of a predisposition screen in an ostensibly healthy population. It had not been previously curated by ICSL or reported in the Human Gene Mutation Database (HGMD: prior to June 1st, 2018), and was therefore a candidate for classification through an automated scoring system. Utilizing variant allele frequency, disease prevalence and penetrance estimates, and inheritance mode, an automated score was calculated to assess if this variant is too frequent to cause the disease. Based on the score and internal cut-off values, a variant classified as benign is not then subjected to further curation. The score for this variant resulted in a classification of benign for this disease.

Laboratory for Molecular Medicine, Mass General Brigham Personalized Medicine
Classification: Benign. Last evaluated: 2013-02-21. Review status: criteria provided, single submitter. Criteria: LMM Criteria. Collection method: clinical testing. Allele origin: germline. Observed: 2 variant alleles.
Comment: 58-13T>C in intron 1 of DNAH5: This variant is not expected to have clinical sig nificance because it has been identified in 7.5% (329/4406) of African American chromosomes from a broad population by the NHLBI Exome Sequencing Project (dbSNP rs115758625).

Breakthrough Genomics
Classification: Benign. Review status: criteria provided, single submitter. Criteria: ACMG Guidelines, 2015. Collection method: not provided. Allele origin: germline. Inheritance: Autosomal recessive inheritance. Affected: yes.

PreventionGenetics, part of Exact Sciences
Classification: Benign. Review status: criteria provided, single submitter. Criteria: ACMG Guidelines, 2015. Collection method: clinical testing. Allele origin: germline.

Counsyl
Classification: Benign for Primary ciliary dyskinesia 3. Last evaluated: 2017-03-06. Review status: no assertion criteria provided. Collection method: clinical testing. Allele origin: unknown. Not counted in ClinVar's aggregate classification.